The following is an entry in ClinVar:

NM_001376.5(DYNC1H1):c.9714C>G (p.Asp3238Glu)

Gene: DYNC1H1 (dynein cytoplasmic 1 heavy chain 1; plus strand). Cytogenetic location: 14q32.31.
Variant type: single nucleotide variant.
Coding change: c.9714C>G on transcript NM_001376.5 (MANE Select); coding-DNA position 9714, C replaced by G.
Protein change: p.Asp3238Glu; replaces aspartic acid 3238 with glutamic acid.
Molecular consequence: missense variant.
Genome position (GRCh38, 1-based): chr14:102,029,890, C>G. VCF-style: chr14-102029890-C-G. GRCh37 (hg19) VCF-style: chr14-102496227-C-G.
Other names: short protein forms D3238E.
Identifiers: ClinVar variation 1350017 (VCV001350017.8), dbSNP rs1220860441, ClinGen allele CA391016946.

ClinVar aggregate classification (germline): Uncertain significance (1 of 4 stars; one submission).

Conditions:
Charcot-Marie-Tooth disease axonal type 2O. Also called: Charcot-Marie-Tooth disease, axonal, type 20; CHARCOT-MARIE-TOOTH NEUROPATHY, AXONAL, TYPE 2O; CHARCOT-MARIE-TOOTH DISEASE, AXONAL, AUTOSOMAL DOMINANT, TYPE 2O; Charcot-Marie-Tooth Neuropathy Type 2O. Identifiers: Orphanet 284232, MedGen C3280220, MONDO:0013644, OMIM 614228.

Allele frequency attached by ClinVar (database versions not stated): TOPMed below 0.00001; gnomAD 0.00001.
gnomAD v4.1: 1 of 1,613,942 alleles (0.000062%); highest among the groups gnomAD compares: Non-Finnish European, 0.000085%; no homozygotes.

Submission:

Labcorp Genetics (formerly Invitae), Labcorp
Classification: Uncertain significance for Charcot-Marie-Tooth disease axonal type 2O. Last evaluated: 2021-04-29. Review status: criteria provided, single submitter. Criteria: Invitae Variant Classification Sherloc (09022015). Collection method: clinical testing. Allele origin: germline.
Comment: In summary, the available evidence is currently insufficient to determine the role of this variant in disease. Therefore, it has been classified as a Variant of Uncertain Significance. Advanced modeling of protein sequence and biophysical properties (such as structural, functional, and spatial information, amino acid conservation, physicochemical variation, residue mobility, and thermodynamic stability) performed at Invitae indicates that this missense variant is not expected to disrupt DYNC1H1 protein function. This variant has not been reported in the literature in individuals with DYNC1H1-related conditions. This variant is not present in population databases (ExAC no frequency). This sequence change replaces aspartic acid with glutamic acid at codon 3238 of the DYNC1H1 protein (p.Asp3238Glu). The aspartic acid residue is highly conserved and there is a small physicochemical difference between aspartic acid and glutamic acid.